The following is an entry in ClinVar:

NM_001378414.1(HDAC4):c.3133C>T (p.Arg1045Cys)

Gene: HDAC4 (histone deacetylase 4; minus strand). Cytogenetic location: 2q37.3.
Variant type: single nucleotide variant.
Coding change: c.3133C>T on transcript NM_001378414.1 (MANE Select); coding-DNA position 3133, C replaced by T.
Protein change: p.Arg1045Cys; replaces arginine 1045 with cysteine.
Molecular consequence: missense variant.
Genome position (GRCh38, 1-based): chr2:239,053,557, G>A on the plus strand (C>T on the coding strand, the complement: HDAC4 is on the minus strand). VCF-style: chr2-239053557-G-A. GRCh37 (hg19) VCF-style: chr2-239975253-G-A.
Other names: c.3133C>T, p.Arg1045Cys (NM_001378415.1); c.3118C>T, p.Arg1040Cys (NM_001378416.1, NM_001378417.1, NM_006037.4); short protein forms R1040C, R1045C.
Identifiers: ClinVar variation 2652065 (VCV002652065.24), dbSNP rs763458991, ClinGen allele CA2199016.
Genomic context (GRCh38, chr2:239,053,557, plus strand): 5'-CCATGGCGGTGACCGTCTCGGCTTCTTCGTTCTCGCAAGTCTGAGCCTCGATCAGAGAAC[G>A]CCCCGCTGTGGAGGTTGTGCGCTGCAGGCAGCGCCAGTACTTGCCTGGGGTGGTGGGGTG-3'
Protein context (NP_001365343.1, residues 1035-1055): CLQRTTSTAG[Arg1045Cys]SLIEAQTCEN

ClinVar aggregate classification (germline): Likely benign (1 of 4 stars; one submission).

Allele frequency attached by ClinVar (database versions not stated): TOPMed 0.00001; ExAC 0.00002; gnomAD 0.00002; gnomAD exomes 0.00002.
gnomAD v4.1: 38 of 1,613,766 alleles (0.0024%); highest among the groups gnomAD compares: East Asian, 0.0067%; no homozygotes.

Submission:

CeGaT Center for Human Genetics Tuebingen
Classification: Likely benign. Last evaluated: 2022-03-01. Review status: criteria provided, single submitter. Criteria: CeGaT Center For Human Genetics Tuebingen Variant Classification Criteria Version 2. Collection method: clinical testing. Allele origin: germline. Affected: yes. Observed: 1 variant allele.
Comment: HDAC4: BP4